The following is an entry in ClinVar:

ClinVar aggregate classification (germline): Uncertain significance. Review status: criteria provided, multiple submitters, no conflicts (2 of 4 stars). 3 submissions from 3 submitters: Uncertain significance (3). Last evaluated 2025-08-05.

Conditions:
Inborn genetic diseases. Identifiers: MedGen C0950123, MeSH D030342.

Allele frequency attached by ClinVar (database versions not stated): ExAC 0.00005; gnomAD 0.00006; TOPMed 0.00006; ESP Exome Variant Server 0.00016.
gnomAD v4.1: 148 of 1,613,806 alleles (0.0092%); highest among the groups gnomAD compares: Non-Finnish European, 0.012%; no homozygotes.

Submissions (3):

Ambry Genetics
Classification: Uncertain significance for Inborn genetic diseases. Last evaluated: 2025-08-05. Review status: criteria provided, single submitter. Criteria: Ambry Variant Classification Scheme 2023. Collection method: clinical testing. Allele origin: germline.

Labcorp Genetics (formerly Invitae), Labcorp
Classification: Uncertain significance. Last evaluated: 2025-06-09. Review status: criteria provided, single submitter. Criteria: Invitae Variant Classification Sherloc (09022015). Collection method: clinical testing. Allele origin: germline.
Comment: This sequence change replaces serine, which is neutral and polar, with arginine, which is basic and polar, at codon 1736 of the ITPR1 protein (p.Ser1736Arg). This variant is present in population databases (rs376278816, gnomAD 0.009%). This variant has not been reported in the literature in individuals affected with ITPR1-related conditions. ClinVar contains an entry for this variant (Variation ID: 1335840). Invitae Evidence Modeling of protein sequence and biophysical properties (such as structural, functional, and spatial information, amino acid conservation, physicochemical variation, residue mobility, and thermodynamic stability) indicates that this missense variant is not expected to disrupt ITPR1 protein function with a negative predictive value of 80%. In summary, the available evidence is currently insufficient to determine the role of this variant in disease. Therefore, it has been classified as a Variant of Uncertain Significance.

GeneDx
Classification: Uncertain significance. Last evaluated: 2022-01-17. Review status: criteria provided, single submitter. Criteria: GeneDx Variant Classification Process June 2021. Collection method: clinical testing. Allele origin: germline. Affected: yes.
Comment: In silico analysis supports that this missense variant has a deleterious effect on protein structure/function; Has not been previously published as pathogenic or benign to our knowledge

NM_001378452.1(ITPR1):c.5397T>G (p.Ser1799Arg)

Gene: ITPR1 (inositol 1,4,5-trisphosphate receptor type 1; plus strand). Cytogenetic location: 3p26.1.
Variant type: single nucleotide variant.
Coding change: c.5397T>G on transcript NM_001378452.1 (MANE Select); coding-DNA position 5397, T replaced by G.
Protein change: p.Ser1799Arg; replaces serine 1799 with arginine.
Molecular consequence: missense variant.
Genome position (GRCh38, 1-based): chr3:4,735,207, T>G. VCF-style: chr3-4735207-T-G. GRCh37 (hg19) VCF-style: chr3-4776891-T-G.
Other names: c.5253T>G, p.Ser1751Arg (NM_001099952.4); c.5352T>G, p.Ser1784Arg (NM_001168272.2); c.5208T>G, p.Ser1736Arg (NM_002222.7); short protein forms S1736R, S1751R, S1784R, S1799R.
Identifiers: ClinVar variation 1335840 (VCV001335840.9), dbSNP rs376278816, ClinGen allele CA2232335.